The following is an entry in ClinVar:

NM_003239.5(TGFB3):c.1122C>G (p.Ala374=)

Gene: TGFB3 (transforming growth factor beta 3; minus strand). Cytogenetic location: 14q24.3.
Variant type: single nucleotide variant.
Coding change: c.1122C>G on transcript NM_003239.5 (MANE Select); coding-DNA position 1122, C replaced by G.
Protein change: p.Ala374=; no amino-acid change (alanine 374 retained).
Molecular consequence: synonymous variant.
Genome position (GRCh38, 1-based): chr14:75,959,304, G>C on the plus strand (C>G on the coding strand, the complement: TGFB3 is on the minus strand). VCF-style: chr14-75959304-G-C. GRCh37 (hg19) VCF-style: chr14-76425647-G-C.
Other names: p.Ala374=; c.1122C>G, p.Ala374= (NM_001329939.2).
Identifiers: ClinVar variation 239516 (VCV000239516.30), dbSNP rs4252345, ClinGen allele CA7280262.

ClinVar aggregate classification (germline): Benign. Review status: criteria provided, multiple submitters, no conflicts (2 of 4 stars). 7 submissions from 7 submitters: Benign (7). Last evaluated 2026-01-28.

Conditions:
Rienhoff syndrome. Also called: LOEYS-DIETZ SYNDROME 5. Identifiers: MedGen C3810012, MONDO:0014262, OMIM 615582.
Familial thoracic aortic aneurysm and aortic dissection (TAAD). Also called: Thoracic aortic aneurysms and dissections. Identifiers: Orphanet 91387, MedGen C4707243, MONDO:0019625.

Allele frequency attached by ClinVar (database versions not stated): gnomAD exomes 0.00101 and 0.00270; ExAC 0.00356; gnomAD 0.01086 and 0.01156; TOPMed 0.01208; ESP Exome Variant Server 0.01238; 1000 Genomes Project 0.01378; 1000 Genomes Project 30x 0.01421.
gnomAD v4.1: 3,159 of 1,614,180 alleles (0.2%); highest among the groups gnomAD compares: African/African-American, 3.9%; 56 homozygotes.

Submissions (7):

Labcorp Genetics (formerly Invitae), Labcorp
Classification: Benign for Rienhoff syndrome. Last evaluated: 2026-01-28. Review status: criteria provided, single submitter. Criteria: Invitae Variant Classification Sherloc (09022015). Collection method: clinical testing. Allele origin: germline.

ARUP Laboratories, Molecular Genetics and Genomics, ARUP Laboratories
Classification: Benign. Last evaluated: 2023-11-06. Review status: criteria provided, single submitter. Criteria: ARUP Molecular Germline Variant Investigation Process 2024. Collection method: clinical testing. Allele origin: germline.

Mayo Clinic Laboratories, Mayo Clinic
Classification: Benign. Last evaluated: 2023-04-27. Review status: criteria provided, single submitter. Criteria: ACMG Guidelines, 2015. Collection method: clinical testing. Allele origin: germline. Observed: 11 variant alleles.
Comment: BS1, BS2, BP4, BP7

CHEO Genetics Diagnostic Laboratory, Children's Hospital of Eastern Ontario
Classification: Benign for Familial thoracic aortic aneurysm and aortic dissection. Last evaluated: 2018-02-26. Review status: criteria provided, single submitter. Criteria: ACMG Guidelines, 2015. Collection method: clinical testing. Allele origin: germline.

GeneDx
Classification: Benign. Last evaluated: 2016-10-12. Review status: criteria provided, single submitter. Criteria: GeneDx Variant Classification (06012015). Collection method: clinical testing. Allele origin: germline. Affected: yes.
Comment: This variant is considered likely benign or benign based on one or more of the following criteria: it is a conservative change, it occurs at a poorly conserved position in the protein, it is predicted to be benign by multiple in silico algorithms, and/or has population frequency not consistent with disease.

Ambry Genetics
Classification: Benign for Familial thoracic aortic aneurysm and aortic dissection. Last evaluated: 2015-08-04. Review status: criteria provided, single submitter. Criteria: Ambry Variant Classification Scheme 2023. Collection method: clinical testing. Allele origin: germline.

Breakthrough Genomics
Classification: Benign. Review status: criteria provided, single submitter. Criteria: ACMG Guidelines, 2015. Collection method: not provided. Allele origin: germline. Inheritance: Autosomal dominant inheritance. Affected: yes.